The following is an entry in ClinVar:

NM_001271803.2(REEP2):c.574C>T (p.Pro192Ser)

Gene: REEP2 (receptor accessory protein 2; plus strand). Cytogenetic location: 5q31.2.
Variant type: single nucleotide variant.
Coding change: c.574C>T on transcript NM_001271803.2 (MANE Select); coding-DNA position 574, C replaced by T.
Protein change: p.Pro192Ser; replaces proline 192 with serine.
Molecular consequence: missense variant. On other transcripts: non-coding transcript variant (2).
Genome position (GRCh38, 1-based): chr5:138,445,476, C>T. VCF-style: chr5-138445476-C-T. GRCh37 (hg19) VCF-style: chr5-137781165-C-T.
Other names: c.568C>T, p.Pro190Ser (NM_016606.4); short protein forms P192S, P190S.
Identifiers: ClinVar variation 2724335 (VCV002724335.3), dbSNP rs574350911, ClinGen allele CA3429865.
Genomic context (GRCh38, chr5:138,445,476, plus strand): 5'-AAGGAGTCCAGATGGGAAAGATTCCCCCACCTCCTTTTCTCCCTGCACCCAGGAGATGAC[C>T]CTGCCCTGAGTCTAAGGTCCAGCACAAACCCGGCAGATTCCCGGACAGAGGCTTCTGAGG-3'
Protein context (NP_001258732.1, residues 182-202): LDTIEDLGDD[Pro192Ser]ALSLRSSTNP

ClinVar aggregate classification (germline): Uncertain significance (1 of 4 stars; one submission).

Conditions:
Hereditary spastic paraplegia 72 (SPG72A). Also called: Spastic paraplegia 72, autosomal recessive. Identifiers: Orphanet 401849, MedGen C5882669, MONDO:0014282, OMIM 615625.

Allele frequency attached by ClinVar (database versions not stated): ExAC 0.00002; TOPMed 0.00002; gnomAD 0.00003; 1000 Genomes Project 0.00040; 1000 Genomes Project 30x 0.00062.
gnomAD v4.1: 11 of 1,614,142 alleles (0.00068%); highest among the groups gnomAD compares: African/African-American, 0.013%; no homozygotes.

Submission:

Labcorp Genetics (formerly Invitae), Labcorp
Classification: Uncertain significance for Hereditary spastic paraplegia 72. Last evaluated: 2023-05-14. Review status: criteria provided, single submitter. Criteria: Invitae Variant Classification Sherloc (09022015). Collection method: clinical testing. Allele origin: germline.
Comment: In summary, the available evidence is currently insufficient to determine the role of this variant in disease. Therefore, it has been classified as a Variant of Uncertain Significance. An algorithm developed to predict the effect of missense changes on protein structure and function (PolyPhen-2) suggests that this variant is likely to be tolerated. This variant has not been reported in the literature in individuals affected with REEP2-related conditions. This variant is present in population databases (rs574350911, gnomAD 0.02%). This sequence change replaces proline, which is neutral and non-polar, with serine, which is neutral and polar, at codon 192 of the REEP2 protein (p.Pro192Ser).